The following is an entry in ClinVar:

NM_004006.3(DMD):c.6974A>G (p.Gln2325Arg)

Gene: DMD (dystrophin; minus strand). Cytogenetic location: Xp21.1.
Variant type: single nucleotide variant.
Coding change: c.6974A>G on transcript NM_004006.3 (MANE Select); coding-DNA position 6974, A replaced by G.
Protein change: p.Gln2325Arg; replaces glutamine 2325 with arginine.
Molecular consequence: missense variant. On other transcripts: 5 prime UTR variant (5).
Genome position (GRCh38, 1-based): chrX:31,875,312, T>C on the plus strand (A>G on the coding strand, the complement: DMD is on the minus strand). VCF-style: chrX-31875312-T-C. GRCh37 (hg19) VCF-style: chrX-31893429-T-C.
Other names: c.6950A>G, p.Gln2317Arg (NM_000109.4); c.6962A>G, p.Gln2321Arg (NM_004009.3); c.6605A>G, p.Gln2202Arg (NM_004010.3); c.2951A>G, p.Gln984Arg (NM_004011.4); c.2942A>G, p.Gln981Arg (NM_004012.4); c.-407A>G (NM_004013.3, NM_004020.4, NM_004021.3 and 2 more transcripts); short protein forms Q2317R, Q984R, Q2202R, Q2325R, Q2321R, Q981R.
Identifiers: ClinVar variation 3715678 (VCV003715678.2).

ClinVar aggregate classification (germline): Uncertain significance (1 of 4 stars; one submission).

Conditions:
Duchenne muscular dystrophy (DMD). Also called: Duchenne Muscular Dystrophy (DMD); MUSCULAR DYSTROPHY, PSEUDOHYPERTROPHIC PROGRESSIVE, DUCHENNE TYPE. Identifiers: Orphanet 98896, MedGen C0013264, MONDO:0010679, OMIM 310200.

Submission:

Labcorp Genetics (formerly Invitae), Labcorp
Classification: Uncertain significance for Duchenne muscular dystrophy. Last evaluated: 2024-08-05. Review status: criteria provided, single submitter. Criteria: Invitae Variant Classification Sherloc (09022015). Collection method: clinical testing. Allele origin: germline.
Comment: This sequence change replaces glutamine, which is neutral and polar, with arginine, which is basic and polar, at codon 2325 of the DMD protein (p.Gln2325Arg). This variant is not present in population databases (gnomAD no frequency). This variant has not been reported in the literature in individuals affected with DMD-related conditions. Advanced modeling of protein sequence and biophysical properties (such as structural, functional, and spatial information, amino acid conservation, physicochemical variation, residue mobility, and thermodynamic stability) performed at Invitae indicates that this missense variant is not expected to disrupt DMD protein function with a negative predictive value of 95%. In summary, the available evidence is currently insufficient to determine the role of this variant in disease. Therefore, it has been classified as a Variant of Uncertain Significance.